The following is an entry in ClinVar:

NM_000090.4(COL3A1):c.316G>A (p.Gly106Ser)

Gene: COL3A1 (collagen type III alpha 1 chain; plus strand). Cytogenetic location: 2q32.2.
Variant type: single nucleotide variant.
Coding change: c.316G>A on transcript NM_000090.4 (MANE Select); coding-DNA position 316, G replaced by A.
Protein change: p.Gly106Ser; replaces glycine 106 with serine.
Molecular consequence: missense variant.
Genome position (GRCh38, 1-based): chr2:188,985,230, G>A. VCF-style: chr2-188985230-G-A. GRCh37 (hg19) VCF-style: chr2-189849956-G-A.
Other names: short protein forms G106S.
Identifiers: ClinVar variation 404286 (VCV000404286.21), dbSNP rs180938313, ClinGen allele CA075897.

ClinVar aggregate classification (germline): Uncertain significance. Review status: criteria provided, multiple submitters, no conflicts (2 of 4 stars). 6 submissions from 6 submitters: Uncertain significance (6). Last evaluated 2025-10-16.

Conditions:
Ehlers-Danlos syndrome, type 4 (EDSVASC). Also called: Ehlers-Danlos Syndrome Type IV; Ehlers-Danlos syndrome vascular type; Ehlers Danlos syndrome, ecchymotic type; Ehlers Danlos syndrome, arterial type; Ehlers Danlos syndrome, Sack-Barabas type. Identifiers: Orphanet 286, MedGen C0268338, MONDO:0017314, OMIM 130050.
Familial thoracic aortic aneurysm and aortic dissection (TAAD). Also called: Thoracic aortic aneurysms and dissections. Identifiers: Orphanet 91387, MedGen C4707243, MONDO:0019625.

Allele frequency attached by ClinVar (database versions not stated): gnomAD exomes below 0.00001 and 0.00002; gnomAD 0.00001; ExAC 0.00002; TOPMed 0.00002; 1000 Genomes Project 30x 0.00016; 1000 Genomes Project 0.00020.
gnomAD v4.1: 7 of 1,611,864 alleles (0.00043%); highest among the groups gnomAD compares: Admixed American, 0.005%; no homozygotes.

Submissions (6):

Labcorp Genetics (formerly Invitae), Labcorp
Classification: Uncertain significance for Ehlers-Danlos syndrome, type 4. Last evaluated: 2025-10-16. Review status: criteria provided, single submitter. Criteria: Invitae Variant Classification Sherloc (09022015). Collection method: clinical testing. Allele origin: germline.
Comment: This sequence change replaces glycine, which is neutral and non-polar, with serine, which is neutral and polar, at codon 106 of the COL3A1 protein (p.Gly106Ser). This variant is present in population databases (rs180938313, gnomAD 0.009%). This variant has not been reported in the literature in individuals affected with COL3A1-related conditions. ClinVar contains an entry for this variant (Variation ID: 404286). Invitae Evidence Modeling of protein sequence and biophysical properties (such as structural, functional, and spatial information, amino acid conservation, physicochemical variation, residue mobility, and thermodynamic stability) indicates that this missense variant is expected to disrupt COL3A1 protein function with a positive predictive value of 95%. In summary, the available evidence is currently insufficient to determine the role of this variant in disease. Therefore, it has been classified as a Variant of Uncertain Significance.

Color Diagnostics, LLC DBA Color Health
Classification: Uncertain significance for Familial thoracic aortic aneurysm and aortic dissection. Last evaluated: 2025-07-22. Review status: criteria provided, single submitter. Criteria: ACMG Guidelines, 2015. Collection method: clinical testing. Allele origin: germline.
Comment: This missense variant replaces glycine with serine at codon 106 of the COL3A1 protein. Computational prediction suggests that this variant may have a deleterious impact on protein structure and function. To our knowledge, functional studies have not been reported for this variant. This variant has not been reported in individuals affected with COL3A1-related disorders in the literature. This variant has been identified in 5/250722 chromosomes in the general population by the Genome Aggregation Database (gnomAD). The available evidence is insufficient to determine the role of this variant in disease conclusively. Therefore, this variant is classified as a Variant of Uncertain Significance.

Dasa
Classification: Uncertain significance. Last evaluated: 2024-10-22. Review status: criteria provided, single submitter. Criteria: DASA Assertion Criteria. Collection method: clinical testing. Allele origin: germline.
Comment: NM_000090.4(COL3A1):c.316G>A (p.Gly106Ser) is a missense variant that results in the substitution of glycine with serine. This variant is rare in population databases. Computational prediction algorithms are consistent with a deleterious effect. The currently available literature and clinical evidence are not sufficient to establish a definitive association between this variant and the reported condition. Therefore, this variant is classified as a variant of uncertain significance.

All of Us Research Program, National Institutes of Health
Classification: Uncertain significance for Ehlers-Danlos syndrome, type 4. Last evaluated: 2023-12-01. Review status: criteria provided, single submitter. Criteria: ACMG Guidelines, 2015. Collection method: clinical testing. Allele origin: germline. Inheritance: Autosomal dominant inheritance. Observed: 8 variant alleles, 8 heterozygotes.
Comment: This missense variant replaces glycine with serine at codon 106 of the COL3A1 protein. Computational prediction suggests that this variant may have deleterious impact on protein structure and function (internally defined REVEL score threshold >= 0.7, PMID: 27666373). To our knowledge, functional studies have not been reported for this variant. This variant has not been reported in individuals affected with cardiovascular disorders in the literature. This variant has been identified in 5/250722 chromosomes in the general population by the Genome Aggregation Database (gnomAD). The available evidence is insufficient to determine the role of this variant in disease conclusively. Therefore, this variant is classified as a Variant of Uncertain Significance.

This study involves interpretation of variants in research participants for the purpose of population health screening. Participant phenotype was not available at the time of variant classification. Additional details can be found in publication PMID: 35346344, PMCID: PMC8962531

GeneDx
Classification: Uncertain significance. Last evaluated: 2022-05-04. Review status: criteria provided, single submitter. Criteria: GeneDx Variant Classification Process June 2021. Collection method: clinical testing. Allele origin: germline. Affected: yes.
Comment: Has not been previously published as pathogenic or benign to our knowledge; Not observed at significant frequency in large population cohorts (gnomAD); In silico analysis supports that this missense variant has a deleterious effect on protein structure/function; Not located in the triple helical region, where the majority of pathogenic missense variants occur (HGMD)

Ambry Genetics
Classification: Uncertain significance for Familial thoracic aortic aneurysm and aortic dissection. Last evaluated: 2016-01-19. Review status: criteria provided, single submitter. Criteria: Ambry Variant Classification Scheme 2023. Collection method: clinical testing. Allele origin: germline.
Comment: The p.G106S variant (also known as c.316G>A), located in coding exon 3 of the COL3A1 gene, results from a G to A substitution at nucleotide position 316. The glycine at codon 106 is replaced by serine, an amino acid with similar properties. This variant was previously reported in the SNPDatabase as rs180938313. Based on data from ExAC, the A allele has an overall frequency of approximately 0.002% (3/120802). The highest observed frequency was 0.01% (2/11410) of Latino alleles (Exome Aggregation Consortium (ExAC), Cambridge, MA (URL) [Accessed January 19, 2016]). Based on data from the 1000 Genomes Project, the A allele has an overall frequency of approximately 0.05% (1/2098) total alleles studied. The highest observed frequency was 3.57% (1/28) Spanish alleles. This amino acid position is highly conserved in available vertebrate species. In addition, this alteration is predicted to be possibly damaging and tolerated by PolyPhen and SIFT in silico analyses, respectively. Since supporting evidence is limited at this time, the clinical significance of this variant remains unclear.